The following is an entry in ClinVar:

ClinVar aggregate classification (germline): Uncertain significance (1 of 4 stars; one submission).

Conditions:
Malignant hyperthermia, susceptibility to, 1 (MHS1). Also called: Anesthesia related hyperthermia; Malignant hyperpyrexia; Fulminating hyperpyrexia; Pharmacogenic myopathy; RYR1-Related Malignant Hyperthermia Susceptibility; Malignant hyperthermia suceptibility 1. Identifiers: Orphanet 423, MedGen C2930980, MONDO:0007783, OMIM 145600.

Submission:

All of Us Research Program, National Institutes of Health
Classification: Uncertain significance for Malignant hyperthermia, susceptibility to, 1. Last evaluated: 2024-04-16. Review status: criteria provided, single submitter. Criteria: ACMG Guidelines, 2015. Collection method: clinical testing. Allele origin: germline. Inheritance: Autosomal dominant inheritance. Observed: 1 variant allele, 1 heterozygote.
Comment: This missense variant replaces leucine with isoleucine at codon 371 of the RYR1 protein. Computational prediction suggests that this variant may not impact protein structure and function (internally defined REVEL score threshold <= 0.5, PMID: 27666373). To our knowledge, functional studies have not been reported for this variant. This variant has not been reported in individuals affected with RYR1-related disorders in the literature. This variant has not been identified in the general population by the Genome Aggregation Database (gnomAD). The available evidence is insufficient to determine the role of this variant in disease conclusively. Therefore, this variant is classified as a Variant of Uncertain Significance.

This study involves interpretation of variants in research participants for the purpose of population health screening. Participant phenotype was not available at the time of variant classification. Additional details can be found in publication PMID: 35346344, PMCID: PMC8962531

NM_000540.3(RYR1):c.1111C>A (p.Leu371Ile)

Gene: RYR1 (ryanodine receptor 1; plus strand). Cytogenetic location: 19q13.2.
Variant type: single nucleotide variant.
Coding change: c.1111C>A on transcript NM_000540.3 (MANE Select); coding-DNA position 1111, C replaced by A.
Protein change: p.Leu371Ile; replaces leucine 371 with isoleucine.
Molecular consequence: missense variant.
Genome position (GRCh38, 1-based): chr19:38,448,802, C>A. VCF-style: chr19-38448802-C-A. GRCh37 (hg19) VCF-style: chr19-38939442-C-A.
Other names: c.1111C>A, p.Leu371Ile (NM_001042723.2); short protein forms L371I.
Identifiers: ClinVar variation 3387638 (VCV003387638.1).